The following is an entry in ClinVar:

NM_004787.4(SLIT2):c.1888A>G (p.Ser630Gly)

Gene: SLIT2 (slit guidance ligand 2; plus strand). Cytogenetic location: 4p15.31.
Variant type: single nucleotide variant.
Coding change: c.1888A>G on transcript NM_004787.4 (MANE Select); coding-DNA position 1888, A replaced by G.
Protein change: p.Ser630Gly; replaces serine 630 with glycine.
Molecular consequence: missense variant.
Genome position (GRCh38, 1-based): chr4:20,539,496, A>G. VCF-style: chr4-20539496-A-G. GRCh37 (hg19) VCF-style: chr4-20541119-A-G.
Other names: c.1876A>G, p.Ser626Gly (NM_001289135.3); c.1864A>G, p.Ser622Gly (NM_001289136.3); short protein forms S630G, S622G, S626G.
Identifiers: ClinVar variation 4733555 (VCV004733555.1).

ClinVar aggregate classification (germline): Uncertain significance (1 of 4 stars; one submission).

gnomAD v4.1: 1 of 1,613,790 alleles (0.000062%); highest among the groups gnomAD compares: Non-Finnish European, 0.000085%; no homozygotes.

Submission:

Labcorp Genetics (formerly Invitae), Labcorp
Classification: Uncertain significance. Last evaluated: 2025-12-24. Review status: criteria provided, single submitter. Criteria: Invitae Variant Classification Sherloc (09022015). Collection method: clinical testing. Allele origin: germline.
Comment: This sequence change replaces serine, which is neutral and polar, with glycine, which is neutral and non-polar, at codon 630 of the SLIT2 protein (p.Ser630Gly). This variant is not present in population databases (gnomAD no frequency). This variant has not been reported in the literature in individuals affected with SLIT2-related conditions. An algorithm developed to predict the effect of missense changes on protein structure and function outputs the following: PolyPhen-2: "Benign". The glycine amino acid residue is found in multiple mammalian species, which suggests that this missense change does not adversely affect protein function. In summary, the available evidence is currently insufficient to determine the role of this variant in disease. Therefore, it has been classified as a Variant of Uncertain Significance.